The following is an entry in ClinVar:

NM_001286577.2(C2CD3):c.6785C>T (p.Thr2262Met)

Gene: C2CD3 (C2 domain containing 3 centriole elongation regulator; minus strand). Cytogenetic location: 11q13.4.
Variant type: single nucleotide variant.
Coding change: c.6785C>T on transcript NM_001286577.2 (MANE Select); coding-DNA position 6785, C replaced by T.
Protein change: p.Thr2262Met; replaces threonine 2262 with methionine.
Molecular consequence: missense variant.
Genome position (GRCh38, 1-based): chr11:74,033,375, G>A on the plus strand (C>T on the coding strand, the complement: C2CD3 is on the minus strand). VCF-style: chr11-74033375-G-A. GRCh37 (hg19) VCF-style: chr11-73744420-G-A.
Other names: p.Thr2262Met; short protein forms T2262M.
Identifiers: ClinVar variation 4541650 (VCV004541650.1).

ClinVar aggregate classification (germline): Uncertain significance (1 of 4 stars; one submission).

gnomAD v4.1: 55 of 1,535,894 alleles (0.0036%); highest among the groups gnomAD compares: East Asian, 0.0049%; no homozygotes.

Submission:

Mayo Clinic Laboratories, Mayo Clinic
Classification: Uncertain significance. Last evaluated: 2025-05-14. Review status: criteria provided, single submitter. Criteria: ACMG Guidelines, 2015. Collection method: clinical testing. Allele origin: germline. Observed: 1 variant allele.
Comment: BP4_strong, PM2_supporting